The following is an entry in ClinVar:

ClinVar aggregate classification (germline): Likely benign. Review status: criteria provided, multiple submitters, no conflicts (2 of 4 stars). 4 submissions from 4 submitters: Likely benign (3). 1 of the submissions does not count toward it. Last evaluated 2025-03-04.

Conditions:
Hereditary cancer-predisposing syndrome. Also called: Hereditary neoplastic syndrome; Hereditary Cancer Syndrome; Tumor predisposition; Neoplastic Syndromes, Hereditary. Identifiers: Orphanet 140162, MedGen C0027672, MeSH D009386, MONDO:0015356.
FH-related disorder. Also called: FH-related disorders; FH-related condition.

Submissions (4):

Center for Genomic Medicine, Rigshospitalet, Copenhagen University Hospital
Classification: Likely benign. Last evaluated: 2025-03-04. Review status: criteria provided, single submitter. Criteria: ACMG Guidelines, 2015. Collection method: clinical testing. Allele origin: germline.

Blueprint Genetics
Classification: Likely benign. Last evaluated: 2024-11-25. Review status: criteria provided, single submitter. Criteria: ACMG Guidelines, 2015. Collection method: clinical testing. Allele origin: germline.

Sema4
Classification: Likely benign for Hereditary cancer-predisposing syndrome. Last evaluated: 2021-06-07. Review status: criteria provided, single submitter. Criteria: Sema4 Curation Guidelines. Collection method: curation. Allele origin: germline.

PreventionGenetics, part of Exact Sciences
Classification: Likely benign for FH-related condition. Last evaluated: 2022-12-19. Review status: no assertion criteria provided. Collection method: clinical testing. Allele origin: germline. Not counted in ClinVar's aggregate classification.
Comment: This variant is classified as likely benign based on ACMG/AMP sequence variant interpretation guidelines (Richards et al. 2015 PMID: 25741868, with internal and published modifications).

NM_000143.4(FH):c.1237-50TC[28]

Gene: FH (fumarate hydratase; minus strand). Cytogenetic location: 1q43.
Variant type: Microsatellite.
Coding change: c.1237-50TC[28] on transcript NM_000143.4 (MANE Select); 28 copies in a row of the 2-base unit TC starting at c.1237-50; the reference has 19 copies in a row; nine copies, 18 bases duplicated.
Molecular consequence: intron variant.
Genome position (GRCh38, 1-based): chr1:241,500,603-241,500,620, GAGAGAGAGAGAGAGAGA duplicated on the plus strand (TCTCTCTCTCTCTCTCTC on the coding strand, the reverse complement: FH is on the minus strand); duplicating any 18 consecutive bases within chr1:241,500,603-241,500,640 gives the same sequence; the position shown is the placement nearest the transcript's 3' end. VCF-style (leftmost placement, unchanged base first): chr1-241500602-T-TGAGAGAGAGAGAGAGAGA. GRCh37 (hg19) VCF-style: chr1-241663902-T-TGAGAGAGAGAGAGAGAGA.
Other names: c.1237-30_1237-13dup18 (NM_000143.3); c.1237-30_1237-13dup (NM_000143.4).
Identifiers: ClinVar variation 1692239 (VCV001692239.11), dbSNP rs144131869, ClinGen allele CA733679885.
Genomic context (GRCh38, chr1:241,500,602, plus strand): 5'-AAACTGAAGCATCCCCCAGCAGCCTGGCTGAGTGTAACACATTTTTAATCTTTGAGTGAG[T>TGAGAGAGAGAGAGAGAGA]GAGAGAGAGAGAGAGAGAGAGAGAGAGAGAGAGAGAGACATTACTAAGGCAACATGTTTT-3'